The following is an entry in ClinVar:

ClinVar aggregate classification (germline): Benign (0 of 4 stars; one submission).

Conditions:
IRX1-related disorder. Also called: IRX1-related condition.

Allele frequency attached by ClinVar (database versions not stated): ESP Exome Variant Server 0.08292; 1000 Genomes Project 0.08586; 1000 Genomes Project 30x 0.08869; gnomAD 0.09555; TOPMed 0.10005; gnomAD exomes 0.11798; ExAC 0.25165.
gnomAD v4.1: 179,885 of 1,557,956 alleles (12%); highest among the groups gnomAD compares: Admixed American, 28%; 12,487 homozygotes.

Submission:

PreventionGenetics, part of Exact Sciences
Classification: Benign for IRX1-related condition. Last evaluated: 2019-11-04. Review status: no assertion criteria provided. Collection method: clinical testing. Allele origin: germline.
Comment: This variant is classified as benign based on ACMG/AMP sequence variant interpretation guidelines (Richards et al. 2015 PMID: 25741868, with internal and published modifications).

NM_024337.4(IRX1):c.1074G>A (p.Leu358=)

Gene: IRX1 (iroquois homeobox 1; plus strand). Cytogenetic location: 5p15.33.
Variant type: single nucleotide variant.
Coding change: c.1074G>A on transcript NM_024337.4 (MANE Select); coding-DNA position 1074, G replaced by A.
Protein change: p.Leu358=; no amino-acid change (leucine 358 retained).
Molecular consequence: synonymous variant.
Genome position (GRCh38, 1-based): chr5:3,600,022, G>A. VCF-style: chr5-3600022-G-A. GRCh37 (hg19) VCF-style: chr5-3600136-G-A.
Identifiers: ClinVar variation 3058995 (VCV003058995.2), dbSNP rs61746094, ClinGen allele CA3188981.